The following is an entry in ClinVar:

ClinVar aggregate classification (germline): Pathogenic/Likely pathogenic. Review status: criteria provided, multiple submitters, no conflicts (2 of 4 stars). 7 submissions from 7 submitters: Pathogenic (2); Likely pathogenic (4). 1 of the submissions does not count toward it. Last evaluated 2026-10-08.

Conditions:
TMEM138-related disorder. Also called: TMEM138-related condition.
Joubert syndrome and related disorders. Identifiers: Orphanet 140874, MedGen C5679612, MONDO:0015369.
Joubert syndrome 16 (JBTS16). Identifiers: Orphanet 2318, MedGen C3280906, MONDO:0013764, OMIM 614465.

Allele frequency attached by ClinVar (database versions not stated): TOPMed 0.00002; gnomAD 0.00001; gnomAD exomes 0.00001 and 0.00002.
gnomAD v4.1: 36 of 1,613,824 alleles (0.0022%); highest among the groups gnomAD compares: African/African-American, 0.004%; no homozygotes.

Submissions (8):

GeneDx
Classification: Likely pathogenic. Last evaluated: 2026-10-08. Review status: criteria provided, single submitter. Criteria: GeneDx Variant Classification Process June 2021. Collection method: clinical testing. Allele origin: germline.
Comment: Not observed at significant frequency in large population cohorts (gnomAD); In silico analysis supports a deleterious effect on splicing; This variant is associated with the following publications: (PMID: 27081510, 28102635, 22282472)

Labcorp Genetics (formerly Invitae), Labcorp
Classification: Likely pathogenic for Joubert syndrome 16. Last evaluated: 2025-04-12. Review status: criteria provided, single submitter. Criteria: Invitae Variant Classification Sherloc (09022015). Collection method: clinical testing. Allele origin: germline.
Comment: This sequence change falls in intron 2 of the TMEM138 gene. It does not directly change the encoded amino acid sequence of the TMEM138 protein. It affects a nucleotide within the consensus splice site. This variant is present in population databases (no rsID available, gnomAD 0.007%). This variant has been observed in individuals with Joubert syndrome and related disorders (PMID: 27081510, 28102635). ClinVar contains an entry for this variant (Variation ID: 31187). Variants that disrupt the consensus splice site are a relatively common cause of aberrant splicing (PMID: 17576681, 9536098). Algorithms developed to predict the effect of sequence changes on RNA splicing suggest that this variant may disrupt the consensus splice site. In summary, the currently available evidence indicates that the variant is pathogenic, but additional data are needed to prove that conclusively. Therefore, this variant has been classified as Likely Pathogenic.

Blueprint Genetics
Classification: Pathogenic for TMEM138-related disorders. Last evaluated: 2024-10-28. Review status: criteria provided, single submitter. Criteria: ACMG Guidelines, 2015. Collection method: clinical testing. Allele origin: germline. Affected: yes. Observed: 4 variant alleles.

Dubai Health Genomic Medicine Center, Dubai Health
Classification: Likely pathogenic for Joubert syndrome 16. Last evaluated: 2024-10-04. Review status: criteria provided, single submitter. Criteria: ACMG Guidelines, 2015. Collection method: research. Allele origin: germline. Affected: yes.
Comment: PM3,PM2,PP3,PP1

Fulgent Genetics
Classification: Likely pathogenic for Joubert syndrome 16. Last evaluated: 2024-04-23. Review status: criteria provided, single submitter. Criteria: ACMG Guidelines, 2015. Collection method: clinical testing. Allele origin: germline.

Women's Health and Genetics/Laboratory Corporation of America, LabCorp
Classification: Pathogenic for Joubert syndrome and related disorders. Last evaluated: 2022-06-01. Review status: criteria provided, single submitter. Criteria: LabCorp Variant Classification Summary - May 2015. Collection method: clinical testing. Allele origin: germline.
Comment: Variant summary: TMEM138 c.128+5G>A alters a conserved nucleotide located close to a canonical splice site and therefore could affect mRNA splicing, leading to a significantly altered protein sequence. Several computational tools predict a significant impact on normal splicing: Three predict the variant abolishes a 5' splicing donor site, one predicts the variant creates a cryptic 5' donor site, and one predicts the variant weakens a cryptic 3' acceptor site. However, these predictions have yet to be confirmed by functional studies. The variant allele was found at a frequency of 8e-06 in 251326 control chromosomes (gnomAD). c.128+5G>A has been reported in the literature in multiple homozygous individuals affected with Joubert Syndrome And Related Disorders (Lee_2012, Bizzari_2017). These data indicate that the variant is very likely to be associated with disease. To our knowledge, no experimental evidence demonstrating an impact on protein function has been reported. One ClinVar submitter has assessed the variant since 2014: the variant was classified as likely pathogenic. Based on the evidence outlined above, the variant was classified as pathogenic.

OMIM
Classification: Pathogenic for JOUBERT SYNDROME 16. Last evaluated: 2012-02-24. Review status: no assertion criteria provided. Collection method: literature only. Allele origin: germline. Not counted in ClinVar's aggregate classification.

Dr. Peter K. Rogan Lab, Western University
No classification provided (evidence only). Condition: Uterine corpus endometrial carcinoma. Review status: no classification provided. Collection method: in vitro. Allele origin: not applicable. Functional consequence: retained intron. Not counted in ClinVar's aggregate classification.

Literature cited by the submitters: PubMed 27081510 (cited by Labcorp Genetics (formerly Invitae), Labcorp); PubMed 28102635 (cited by Labcorp Genetics (formerly Invitae), Labcorp and Women's Health and Genetics/Laboratory Corporation of America, LabCorp); PubMed 17576681 (cited by Labcorp Genetics (formerly Invitae), Labcorp); PubMed 9536098 (cited by Labcorp Genetics (formerly Invitae), Labcorp); PubMed 22282472 (cited by Women's Health and Genetics/Laboratory Corporation of America, LabCorp and OMIM).

NM_016464.5(TMEM138):c.128+5G>A

Gene: TMEM138 (transmembrane protein 138; plus strand). Cytogenetic location: 11q12.2.
Variant type: single nucleotide variant.
Coding change: c.128+5G>A on transcript NM_016464.5 (MANE Select); 5 bases into the intron after coding-DNA position 128, G replaced by A.
Molecular consequence: intron variant.
Genome position (GRCh38, 1-based): chr11:61,364,523, G>A. VCF-style: chr11-61364523-G-A. GRCh37 (hg19) VCF-style: chr11-61131995-G-A.
Other names: IVS2DS, G-A, +5; c.-47+208G>A (NM_001330281.2).
Identifiers: ClinVar variation 31187 (VCV000031187.15), dbSNP rs917404097, ClinGen allele CA222872146.